The following is an entry in ClinVar:

NM_003055.3(SLC18A3):c.34_35delinsAG (p.Ala12Arg)

Genes: CHAT (choline O-acetyltransferase; plus strand), SLC18A3 (solute carrier family 18 member A3; plus strand). Cytogenetic location: 10q11.23.
Variant type: Indel.
Coding change: c.34_35delinsAG on transcript NM_003055.3 (MANE Select); coding-DNA positions 34 to 35, GC replaced by AG.
Protein change: p.Ala12Arg; replaces alanine 12 with arginine.
Molecular consequence: missense variant. On other transcripts: intron variant (1).
Genome position (GRCh38, 1-based): chr10:49,610,774-49,610,775, GC replaced by AG. VCF-style: chr10-49610774-GC-AG. GRCh37 (hg19) VCF-style: chr10-50818820-GC-AG.
Other names: c.-69+1575_-69+1576delinsAG (NM_020984.4); short protein forms A12R.
Identifiers: ClinVar variation 1947723 (VCV001947723.3), dbSNP rs2496269013, ClinGen allele CA2580081541.

ClinVar aggregate classification (germline): Uncertain significance (1 of 4 stars; one submission).

Submission:

Labcorp Genetics (formerly Invitae), Labcorp
Classification: Uncertain significance. Last evaluated: 2022-09-07. Review status: criteria provided, single submitter. Criteria: Invitae Variant Classification Sherloc (09022015). Collection method: clinical testing. Allele origin: germline.
Comment: In summary, the available evidence is currently insufficient to determine the role of this variant in disease. Therefore, it has been classified as a Variant of Uncertain Significance. Algorithms developed to predict the effect of missense changes on protein structure and function are either unavailable or do not agree on the potential impact of this missense change (SIFT: "Not Available"; PolyPhen-2: "Benign"; Align-GVGD: "Not Available"). This variant has not been reported in the literature in individuals affected with SLC18A3-related conditions. The frequency data for this variant in the population databases is considered unreliable, as metrics indicate poor data quality at this position in the gnomAD database. This sequence change replaces alanine, which is neutral and non-polar, with arginine, which is basic and polar, at codon 12 of the SLC18A3 protein (p.Ala12Arg).